The following is an entry in ClinVar:

NM_001103.4(ACTN2):c.1192C>A (p.Arg398Ser)

Gene: ACTN2 (actinin alpha 2; plus strand). Cytogenetic location: 1q43.
Variant type: single nucleotide variant.
Coding change: c.1192C>A on transcript NM_001103.4 (MANE Select); coding-DNA position 1192, C replaced by A.
Protein change: p.Arg398Ser; replaces arginine 398 with serine.
Molecular consequence: missense variant. On other transcripts: non-coding transcript variant (1).
Genome position (GRCh38, 1-based): chr1:236,742,980, C>A. VCF-style: chr1-236742980-C-A. GRCh37 (hg19) VCF-style: chr1-236906280-C-A.
Other names: c.1192C>A, p.Arg398Ser (NM_001278343.2); short protein forms R398S.
Identifiers: ClinVar variation 3748709 (VCV003748709.2).

ClinVar aggregate classification (germline): Uncertain significance (1 of 4 stars; one submission).

Conditions:
Primary familial hypertrophic cardiomyopathy (HCM). Identifiers: Orphanet 99739, MedGen C0949658, MeSH D024741, MONDO:0024573. Inheritance: Various modes of inheritance.
Dilated cardiomyopathy 1AA (CMD1AA). Also called: Cardiomyopathy, dilated, 1AA, with or without LVNC; CARDIOMYOPATHY, DILATED, 1AA, WITH OR WITHOUT LEFT VENTRICULAR NONCOMPACTION; CARDIOMYOPATHY, FAMILIAL HYPERTROPHIC, 23, WITH OR WITHOUT LEFT VENTRICULAR NONCOMPACTION. Identifiers: Orphanet 154, MedGen C2677338, MONDO:0012808, OMIM 612158.

gnomAD v4.1: 2 of 1,613,966 alleles (0.00012%); highest among the groups gnomAD compares: Admixed American, 0.0017%; no homozygotes.

Submission:

Labcorp Genetics (formerly Invitae), Labcorp
Classification: Uncertain significance for Primary familial hypertrophic cardiomyopathy; Dilated cardiomyopathy 1AA. Last evaluated: 2024-02-04. Review status: criteria provided, single submitter. Criteria: Invitae Variant Classification Sherloc (09022015). Collection method: clinical testing. Allele origin: germline.
Comment: This sequence change replaces arginine, which is basic and polar, with serine, which is neutral and polar, at codon 398 of the ACTN2 protein (p.Arg398Ser). This variant is not present in population databases (gnomAD no frequency). This variant has not been reported in the literature in individuals affected with ACTN2-related conditions. Advanced modeling of protein sequence and biophysical properties (such as structural, functional, and spatial information, amino acid conservation, physicochemical variation, residue mobility, and thermodynamic stability) performed at Invitae indicates that this missense variant is expected to disrupt ACTN2 protein function with a positive predictive value of 80%. In summary, the available evidence is currently insufficient to determine the role of this variant in disease. Therefore, it has been classified as a Variant of Uncertain Significance.